The following is an entry in ClinVar:

NM_000551.4(VHL):c.600G>A (p.Arg200=)

Genes: VHL (von Hippel-Lindau tumor suppressor; plus strand), LOC107303340 (3p25 von Hippel-Lindau tumor suppressor, E3 ubiquitin protein ligase Alu-mediated recombination region; plus strand). Cytogenetic location: 3p25.3.
Variant type: single nucleotide variant.
Coding change: c.600G>A on transcript NM_000551.4 (MANE Select); coding-DNA position 600, G replaced by A.
Protein change: p.Arg200=; no amino-acid change (arginine 200 retained).
Molecular consequence: synonymous variant. On other transcripts: 3 prime UTR variant (1), non-coding transcript variant (1).
Genome position (GRCh38, 1-based): chr3:10,149,923, G>A. VCF-style: chr3-10149923-G-A. GRCh37 (hg19) VCF-style: chr3-10191607-G-A.
Other names: c.*154G>A (NM_001354723.2); c.477G>A, p.Arg159= (NM_198156.3).
Identifiers: ClinVar variation 4071224 (VCV004071224.1).
Genomic context (GRCh38, chr3:10,149,923, plus strand): 5'-CGTCAGGTCGCTCTACGAAGATCTGGAAGACCACCCAAATGTGCAGAAAGACCTGGAGCG[G>A]CTGACACAGGAGCGCATTGCACATCAACGGATGGGAGATTGAAGATTTCTGTTGAAACTT-3'
Protein context (NP_000542.1, residues 190-210): DHPNVQKDLE[Arg200=]LTQERIAHQR

ClinVar aggregate classification (germline): Benign (1 of 4 stars; one submission).

Conditions:
Von Hippel-Lindau syndrome (VHLS). Also called: Von Hippel-Lindau; von Hippel–Lindau syndrome; VHL syndrome. Identifiers: Orphanet 892, MedGen C0019562, MONDO:0008667, OMIM 193300. Disease mechanism: loss of function.

Submission:

Myriad Genetics, Inc.
Classification: Benign for Von Hippel-Lindau syndrome. Last evaluated: 2025-06-13. Review status: criteria provided, single submitter. Criteria: Myriad Autosomal Dominant, Autosomal Recessive and X-Linked Classification Criteria (2023). Collection method: clinical testing. Allele origin: unknown.
Comment: This variant is considered benign. This variant is a silent/synonymous amino acid change and it is not expected to impact splicing.